The following is an entry in ClinVar:

NM_003982.4(SLC7A7):c.426_434del (p.Tyr142_Gln145delinsTer)

Gene: SLC7A7 (solute carrier family 7 member 7; minus strand). Cytogenetic location: 14q11.2.
Variant type: Deletion.
Coding change: c.426_434del on transcript NM_003982.4 (MANE Select); coding-DNA positions 426 to 434, 9 bases deleted (CATGGTACA; older notation c.426_434delCATGGTACA).
Protein change: p.Tyr142_Gln145delinsTer.
Molecular consequence: nonsense.
Genome position (GRCh38, 1-based): chr14:22,812,965-22,812,973, TGTACCATG deleted on the plus strand (CATGGTACA on the coding strand, the reverse complement: SLC7A7 is on the minus strand); deleting any 9 consecutive bases within chr14:22,812,965-22,812,974 gives the same sequence; the c. name uses the placement nearest the transcript's 3' end. VCF-style (leftmost placement, unchanged base first): chr14-22812964-CTGTACCATG-C. GRCh37 (hg19) VCF-style: chr14-23282173-CTGTACCATG-C.
Other names: c.426_434del, p.Tyr142_Gln145delinsTer (NM_001126105.3, NM_001126106.4); c.426_434del (NM_001126106.2).
Identifiers: ClinVar variation 1068688 (VCV001068688.10), dbSNP rs2039339219, ClinGen allele CA2123167558.

ClinVar aggregate classification (germline): Pathogenic/Likely pathogenic. Review status: criteria provided, multiple submitters, no conflicts (2 of 4 stars). 3 submissions from 3 submitters: Pathogenic (1); Likely pathogenic (2). Last evaluated 2024-09-12.

Conditions:
Lysinuric protein intolerance (LPI). Identifiers: Orphanet 470, MedGen C0268647, MONDO:0009109, OMIM 222700.
SLC7A7-related disorder. Also called: SLC7A7-related condition.

Submissions (3):

Natera, Inc.
Classification: Likely pathogenic for Lysinuric protein intolerance. Last evaluated: 2024-09-12. Review status: criteria provided, single submitter. Criteria: Natera Variant Classification Schema (03/2026). Collection method: clinical testing. Allele origin: germline.
Comment: The c.426_434del variant in SLC7A7 is an in-frame deletion. This variant is expected to result in nonsense mediated decay, truncation, or a dysfunctional protein product. This variant is rare in the general population with a frequency below the threshold expected for the associated phenotype(s). Given the available evidence, this variant is classified as Likely Pathogenic.

Blueprint Genetics
Classification: Likely pathogenic for SLC7A7-related disorders. Last evaluated: 2021-02-05. Review status: criteria provided, single submitter. Criteria: ACMG Guidelines, 2015. Collection method: clinical testing. Allele origin: germline. Affected: yes. Observed: 1 variant allele.

Labcorp Genetics (formerly Invitae), Labcorp
Classification: Pathogenic for Lysinuric protein intolerance. Last evaluated: 2020-09-15. Review status: criteria provided, single submitter. Criteria: Invitae Variant Classification Sherloc (09022015). Collection method: clinical testing. Allele origin: germline.
Comment: Loss-of-function variants in SLC7A7 are known to be pathogenic (PMID: 10631139, 17764084). For these reasons, this variant has been classified as Pathogenic. This variant has not been reported in the literature in individuals with SLC7A7-related conditions. This variant is not present in population databases (ExAC no frequency). This sequence change creates a premature translational stop signal (p.Tyr142*) in the SLC7A7 gene. It is expected to result in an absent or disrupted protein product.

Literature cited by the submitters: PubMed 10631139 (cited by Labcorp Genetics (formerly Invitae), Labcorp); PubMed 17764084 (cited by Labcorp Genetics (formerly Invitae), Labcorp).